The following is an entry in ClinVar:

ClinVar aggregate classification (germline): Pathogenic. Review status: criteria provided, multiple submitters, no conflicts (2 of 4 stars). 5 submissions from 5 submitters: Pathogenic (4). 1 of the submissions does not count toward it. Last evaluated 2025-04-16.

Conditions:
Hemochromatosis type 2A (HFE2A). Also called: HJV (HFE2)-Related Juvenile Hemochromatosis; Adult-Onset Hemochromatosis. Identifiers: Orphanet 79230, MedGen C1865614, MONDO:0011216, OMIM 602390.

Allele frequency attached by ClinVar (database versions not stated): gnomAD exomes 0.00001; gnomAD 0.00001.
gnomAD v4.1: 20 of 1,614,074 alleles (0.0012%); highest among the groups gnomAD compares: Admixed American, 0.0033%; no homozygotes.

Submissions (5):

Natera, Inc.
Classification: Pathogenic for Hemochromatosis type 2A. Last evaluated: 2025-04-16. Review status: criteria provided, single submitter. Criteria: Natera Variant Classification Schema (03/2026). Collection method: clinical testing. Allele origin: germline.
Comment: The c.842T>C variant in HJV is a missense variant predicted to cause substitution of isoleucine to threonine at amino acid 281. This variant is rare in the general population with a frequency below the threshold expected for the associated phenotype(s). This variant has been observed in one or more individuals affected with the associated recessive disease, as either homozygous or compound heterozygous with a second variant (PMID: 15138164, 14647275, 32824233). Additionally, this variant has been observed to segregate in affected family members (PMID: 32824233). Computational prediction algorithms indicate this variant is likely to affect gene or protein function. Given the available evidence, this variant is classified as Pathogenic.

Labcorp Genetics (formerly Invitae), Labcorp
Classification: Pathogenic. Last evaluated: 2024-10-23. Review status: criteria provided, single submitter. Criteria: Invitae Variant Classification Sherloc (09022015). Collection method: clinical testing. Allele origin: germline.
Comment: This sequence change replaces isoleucine, which is neutral and non-polar, with threonine, which is neutral and polar, at codon 281 of the HJV protein (p.Ile281Thr). This variant is present in population databases (rs74315326, gnomAD 0.006%). This missense change has been observed in individual(s) with hereditary hemochromatosis (PMID: 14647275, 15138164, 30166352). In at least one individual the data is consistent with being in trans (on the opposite chromosome) from a pathogenic variant. It has also been observed to segregate with disease in related individuals. ClinVar contains an entry for this variant (Variation ID: 2368). Invitae Evidence Modeling of protein sequence and biophysical properties (such as structural, functional, and spatial information, amino acid conservation, physicochemical variation, residue mobility, and thermodynamic stability) indicates that this missense variant is expected to disrupt HJV protein function with a positive predictive value of 80%. For these reasons, this variant has been classified as Pathogenic.

Women's Health and Genetics/Laboratory Corporation of America, LabCorp
Classification: Pathogenic for Hemochromatosis type 2A. Last evaluated: 2023-07-07. Review status: criteria provided, single submitter. Criteria: LabCorp Variant Classification Summary - May 2015. Collection method: clinical testing. Allele origin: germline.
Comment: Variant summary: HJV c.842T>C (p.Ile281Thr) results in a non-conservative amino acid change located in the Repulsive guidance molecule, C-terminal (IPR009496) of the encoded protein sequence. Four of four in-silico tools predict a damaging effect of the variant on protein function. The variant allele was found at a frequency of 8e-06 in 251496 control chromosomes. c.842T>C has been reported in the literature in multiple individuals affected with Hemochromatosis Type 2A (Example: Takami_2020, Papanikolaou_2003) and shown to segregate in related individuals. These data indicate that the variant is very likely to be associated with disease. To our knowledge, no experimental evidence demonstrating an impact on protein function has been reported. The following publications have been ascertained in the context of this evaluation (PMID: 14647275, 32824233). One submitter has cited clinical-significance assessments for this variant to ClinVar after 2014 and has classified the variant as pathogenic. Based on the evidence outlined above, the variant was classified as pathogenic.

Juno Genomics, Hangzhou Juno Genomics, Inc
Classification: Pathogenic for Hemochromatosis type 2A. Review status: criteria provided, single submitter. Criteria: ACMG Guidelines, 2015. Collection method: clinical testing. Allele origin: germline.
Comment: Absent from controls (or at extremely low frequency if recessive) in Genome Aggregation Database.;For recessive disorders, detected in trans with a pathogenic variant.;Co-segregation with disease in multiple affected family members.;Patient's phenotype or family history is highly specific for a disease with a single genetic etiology.

OMIM
Classification: Pathogenic for HEMOCHROMATOSIS, TYPE 2A. Last evaluated: 2004-10-01. Review status: no assertion criteria provided. Collection method: literature only. Allele origin: germline. Not counted in ClinVar's aggregate classification.

Literature cited by the submitters: PubMed 15138164 (cited by 3 submitters); PubMed 14647275 (cited by 4 submitters); PubMed 32824233 (cited by Natera, Inc. and Women's Health and Genetics/Laboratory Corporation of America, LabCorp); PubMed 30166352 (cited by Labcorp Genetics (formerly Invitae), Labcorp).

NM_213653.4(HJV):c.842T>C (p.Ile281Thr)

Gene: HJV (hemojuvelin BMP co-receptor; minus strand). Cytogenetic location: 1q21.1.
Variant type: single nucleotide variant.
Coding change: c.842T>C on transcript NM_213653.4 (MANE Select); coding-DNA position 842, T replaced by C.
Protein change: p.Ile281Thr; replaces isoleucine 281 with threonine.
Molecular consequence: missense variant.
Genome position (GRCh38, 1-based): chr1:146,018,516, A>G on the plus strand (T>C on the coding strand, the complement: HJV is on the minus strand). VCF-style: chr1-146018516-A-G. GRCh37 (hg19) VCF-style: chr1-145416497-T-C.
Other names: c.164T>C, p.Ile55Thr (NM_001316767.2, NM_202004.4, NM_213652.4); c.842T>C, p.Ile281Thr (NM_001379352.1); c.503T>C, p.Ile168Thr (NM_145277.5); c.842T>C (NM_213653.3); short protein forms I281T, I168T, I55T.
Identifiers: ClinVar variation 2368 (VCV000002368.24), dbSNP rs74315326, ClinGen allele CA252253.
Genomic context (GRCh38, chr1:146,018,516, plus strand): 5'-GCTACCTTGATGGAGAAGGAGAGCTGCCCAGCTGTCTGCCGAATGATTATAGTTGTGCCA[A>G]TGTAGGCAGCTTGGATCTCCACATGGTTCCCAGGGTTAGCAGTTTGAATCGACAAACTGG-3'
Protein context (NP_998818.1, residues 271-291): GNHVEIQAAY[Ile281Thr]GTTIIIRQTA